The following is an entry in ClinVar:

NM_133433.4(NIPBL):c.4548T>C (p.Asp1516=)

Gene: NIPBL (NIPBL cohesin loading factor; plus strand). Cytogenetic location: 5p13.2.
Variant type: single nucleotide variant.
Coding change: c.4548T>C on transcript NM_133433.4 (MANE Select); coding-DNA position 4548, T replaced by C.
Protein change: p.Asp1516=; no amino-acid change (aspartic acid 1516 retained).
Molecular consequence: synonymous variant.
Genome position (GRCh38, 1-based): chr5:37,010,213, T>C. VCF-style: chr5-37010213-T-C. GRCh37 (hg19) VCF-style: chr5-37010315-T-C.
Other names: c.4548T>C, p.Asp1516= (NM_001438586.1, NM_015384.5).
Identifiers: ClinVar variation 4681292 (VCV004681292.5).

ClinVar aggregate classification (germline): Likely benign (1 of 4 stars; one submission).

Submission:

CeGaT Center for Human Genetics Tuebingen
Classification: Likely benign. Last evaluated: 2025-12-01. Review status: criteria provided, single submitter. Criteria: CeGaT Center For Human Genetics Tuebingen Variant Classification Criteria Version 2. Collection method: clinical testing. Allele origin: germline. Affected: yes. Observed: 1 variant allele.
Comment: NIPBL: PM2:Supporting, BP4, BP7